The following is an entry in ClinVar:

NM_000531.6(OTC):c.362A>G (p.Asn121Ser)

Gene: OTC (ornithine transcarbamylase; plus strand). Cytogenetic location: Xp11.4.
Variant type: single nucleotide variant.
Coding change: c.362A>G on transcript NM_000531.6 (MANE Select); coding-DNA position 362, A replaced by G.
Protein change: p.Asn121Ser; replaces asparagine 121 with serine.
Molecular consequence: missense variant.
Genome position (GRCh38, 1-based): chrX:38,381,405, A>G. VCF-style: chrX-38381405-A-G. GRCh37 (hg19) VCF-style: chrX-38240658-A-G.
Other names: c.362A>G, p.Asn121Ser (NM_001407092.1); short protein forms N121S.
Identifiers: ClinVar variation 3070924 (VCV003070924.1), dbSNP rs2519959230, ClinGen allele CA412718486.
Genomic context (GRCh38, chrX:38,381,405, plus strand): 5'-TTGCACTTCTGGGAGGACATCCTTGTTTTCTTACCACACAAGATATTCATTTGGGTGTGA[A>G]TGAAAGTCTCACGGACACGGCCCGGTTTGTAAATATTTTCTTCTCTCCAAAGCTGATTTC-3'
Protein context (NP_000522.3, residues 111-131): LTTQDIHLGV[Asn121Ser]ESLTDTARVL

ClinVar aggregate classification (germline): Uncertain significance (1 of 4 stars; one submission).

Conditions:
Ornithine carbamoyltransferase deficiency (OTCD). Also called: ORNITHINE TRANSCARBAMYLASE DEFICIENCY; ORNITHINE TRANSCARBAMYLASE DEFICIENCY, HYPERAMMONEMIA DUE TO; OTC DEFICIENCY; Ornithine Carbamoyltransferase Deficiency Disease. Identifiers: Orphanet 664, MedGen C0268542, MONDO:0010703, OMIM 311250.

Submission:

All of Us Research Program, National Institutes of Health
Classification: Uncertain significance for Ornithine carbamoyltransferase deficiency. Last evaluated: 2023-05-08. Review status: criteria provided, single submitter. Criteria: ACMG Guidelines, 2015. Collection method: clinical testing. Allele origin: germline. Inheritance: X-linked inheritance. Observed: 1 variant allele, 1 heterozygote.
Comment: This study involves interpretation of variants in research participants for the purpose of population health screening. Participant phenotype was not available at the time of variant classification. Additional details can be found in publication PMID: 35346344, PMCID: PMC8962531